The following is an entry in ClinVar:

ClinVar aggregate classification (germline): Conflicting classifications of pathogenicity. Review status: criteria provided, conflicting classifications (1 of 4 stars). 7 submissions from 7 submitters: Uncertain significance (6); Likely benign (1). Last evaluated 2026-09-04.

Conditions:
Malignant hyperthermia, susceptibility to, 1 (MHS1). Also called: RYR1-Related Malignant Hyperthermia Susceptibility; Anesthesia related hyperthermia; Malignant hyperpyrexia; Fulminating hyperpyrexia; Pharmacogenic myopathy; Malignant hyperthermia suceptibility 1. Identifiers: Orphanet 423, MedGen C2930980, MONDO:0007783, OMIM 145600.
Inborn genetic diseases. Identifiers: MedGen C0950123, MeSH D030342.
RYR1-related disorder. Also called: RYR1-related disorders; RYR1-related condition. Identifiers: MedGen CN239331.

Allele frequency attached by ClinVar (database versions not stated): ESP Exome Variant Server 0.00023; gnomAD 0.00027 and 0.00031; gnomAD exomes 0.00001 and 0.00005; ExAC 0.00004; TOPMed 0.00020.
gnomAD v4.1: 67 of 1,613,952 alleles (0.0042%); highest among the groups gnomAD compares: African/African-American, 0.075%; no homozygotes.

Submissions (7):

GeneDx
Classification: Uncertain significance. Last evaluated: 2026-09-04. Review status: criteria provided, single submitter. Criteria: GeneDx Variant Classification Process June 2021. Collection method: clinical testing. Allele origin: germline.
Comment: In silico analysis supports that this missense variant has a deleterious effect on protein structure/function; Has not been previously published as pathogenic or benign to our knowledge; This variant is associated with the following publications: (PMID: 30975989)

Ambry Genetics
Classification: Uncertain significance for Inborn genetic diseases. Last evaluated: 2026-07-01. Review status: criteria provided, single submitter. Criteria: Ambry Variant Classification Scheme 2023. Collection method: clinical testing. Allele origin: germline.
Comment: The p.E4516G variant (also known as c.13547A>G), located in coding exon 93 of the RYR1 gene, results from an A to G substitution at nucleotide position 13547. The glutamic acid at codon 4516 is replaced by glycine, an amino acid with similar properties. This amino acid position is conserved. In addition, the in silico prediction for this alteration is inconclusive. Based on the available evidence, the clinical significance of this variant remains unclear.

Color Diagnostics, LLC DBA Color Health
Classification: Uncertain significance for Malignant hyperthermia, susceptibility to, 1. Last evaluated: 2025-12-16. Review status: criteria provided, single submitter. Criteria: ACMG Guidelines, 2015. Collection method: clinical testing. Allele origin: germline.
Comment: This missense variant replaces glutamic acid with glycine at codon 4516 of the RYR1 protein. Computational prediction suggests that this variant may not impact protein structure and function. To our knowledge, functional studies have not been reported for this variant. This variant has not been reported in individuals affected with RYR1-related disorders in the literature. This variant has been identified in 67/1613952 chromosomes in the general population by the Genome Aggregation Database (gnomAD). The available evidence is insufficient to determine the role of this variant in disease conclusively. Therefore, this variant is classified as a Variant of Uncertain Significance.

Labcorp Genetics (formerly Invitae), Labcorp
Classification: Likely benign for RYR1-related disorder. Last evaluated: 2025-11-03. Review status: criteria provided, single submitter. Criteria: Invitae Variant Classification Sherloc (09022015). Collection method: clinical testing. Allele origin: germline.

Mayo Clinic Laboratories, Mayo Clinic
Classification: Uncertain significance. Last evaluated: 2024-09-24. Review status: criteria provided, single submitter. Criteria: ACMG Guidelines, 2015. Collection method: clinical testing. Allele origin: germline. Observed: 1 variant allele.

Revvity Omics, Revvity
Classification: Uncertain significance. Last evaluated: 2022-06-07. Review status: criteria provided, single submitter. Criteria: ACMG Guidelines, 2015. Collection method: clinical testing. Allele origin: germline.

Eurofins Ntd Llc (ga)
Classification: Uncertain significance. Last evaluated: 2016-08-18. Review status: criteria provided, single submitter. Criteria: EGL Classification Definitions 2015. Collection method: clinical testing. Allele origin: germline. Observed: 1 variant allele, 1 heterozygote.

NM_000540.3(RYR1):c.13547A>G (p.Glu4516Gly)

Gene: RYR1 (ryanodine receptor 1; plus strand). Cytogenetic location: 19q13.2.
Variant type: single nucleotide variant.
Coding change: c.13547A>G on transcript NM_000540.3 (MANE Select); coding-DNA position 13547, A replaced by G.
Protein change: p.Glu4516Gly; replaces glutamic acid 4516 with glycine.
Molecular consequence: missense variant.
Genome position (GRCh38, 1-based): chr19:38,567,805, A>G. VCF-style: chr19-38567805-A-G. GRCh37 (hg19) VCF-style: chr19-39058445-A-G.
Other names: p.Glu4516Gly; c.13532A>G, p.Glu4511Gly (NM_001042723.2); c.13547A>G (NM_000540.2); short protein forms E4516G, E4511G.
Identifiers: ClinVar variation 290114 (VCV000290114.24), dbSNP rs149984626, ClinGen allele CA060142.
Genomic context (GRCh38, chr19:38,567,805, plus strand): 5'-CCTGACCTCTCTCTGTCCTGCCCTGCAGTGCCGAGAATGGGGAGAAGGAAGAAGTTCCCG[A>G]GCCCACACCAGAGCCCCCCAAGAAGCAAGCACCTCCCTCACCCCCTCCAAAGAAGGAGGA-3'
Protein context (NP_000531.2, residues 4506-4526): AENGEKEEVP[Glu4516Gly]PTPEPPKKQA